The following is an entry in ClinVar:

NM_001159699.2(FHL1):c.703AAG[3] (p.Lys236dup)

Gene: FHL1 (four and a half LIM domains 1; plus strand). Cytogenetic location: Xq26.3.
Variant type: Microsatellite.
Coding change: c.703AAG[3] on transcript NM_001159699.2 (MANE Select); three copies in a row of the 3-base unit AAG starting at c.703; the reference has two copies in a row; one copy, 3 bases duplicated.
Protein change: p.Lys236dup; duplicates lysine 236.
Molecular consequence: inframe insertion. On other transcripts: non-coding transcript variant (1), intron variant (2).
Genome position (GRCh38, 1-based): chrX:136,208,611-136,208,613, AAG duplicated; duplicating any 3 consecutive bases within chrX:136,208,608-136,208,613 gives the same sequence; the position shown is the placement nearest the transcript's 3' end. VCF-style (leftmost placement, unchanged base first): chrX-136208607-C-CAAG. GRCh37 (hg19) VCF-style: chrX-135290766-C-CAAG.
Other names: c.655AAG[3], p.Lys220dup (NM_001159700.2, NM_001159702.3, NM_001159704.1 and 8 more transcripts); c.742AAG[3], p.Lys249dup (NM_001159701.2); c.501+647AAG[3] (NM_001159703.2); c.549+647AAG[3] (NM_001330659.2).
Identifiers: ClinVar variation 580234 (VCV000580234.8), dbSNP rs1569530609, ClinGen allele CA891844506.

ClinVar aggregate classification (germline): Uncertain significance (1 of 4 stars; one submission).

Conditions:
X-linked myopathy with postural muscle atrophy. Also called: FHL1-Related Emery-Dreifuss Muscular Dystrophy, X-Linked. Identifiers: Orphanet 178461, MedGen C2678055, MONDO:0010401, OMIM 300696.

Submission:

Labcorp Genetics (formerly Invitae), Labcorp
Classification: Uncertain significance for X-linked myopathy with postural muscle atrophy. Last evaluated: 2023-08-04. Review status: criteria provided, single submitter. Criteria: Invitae Variant Classification Sherloc (09022015). Collection method: clinical testing. Allele origin: germline.
Comment: This variant has not been reported in the literature in individuals affected with FHL1-related conditions. Experimental studies and prediction algorithms are not available or were not evaluated, and the functional significance of this variant is currently unknown. In summary, the available evidence is currently insufficient to determine the role of this variant in disease. Therefore, it has been classified as a Variant of Uncertain Significance. This variant is not present in population databases (gnomAD no frequency). This variant, c.658_660dup, results in the insertion of 1 amino acid(s) of the FHL1 protein (p.Lys220dup), but otherwise preserves the integrity of the reading frame.